The following is an entry in ClinVar:

ClinVar aggregate classification (germline): Uncertain significance (1 of 4 stars; one submission).

Allele frequency attached by ClinVar (database versions not stated): gnomAD exomes below 0.00001 and 0.00001; TOPMed below 0.00001; ExAC 0.00001; gnomAD 0.00001.
gnomAD v4.1: 10 of 1,613,226 alleles (0.00062%); highest among the groups gnomAD compares: Middle Eastern, 0.016%; no homozygotes.

Submission:

Labcorp Genetics (formerly Invitae), Labcorp
Classification: Uncertain significance. Last evaluated: 2025-12-03. Review status: criteria provided, single submitter. Criteria: Invitae Variant Classification Sherloc (09022015). Collection method: clinical testing. Allele origin: germline.
Comment: This sequence change replaces valine, which is neutral and non-polar, with alanine, which is neutral and non-polar, at codon 38 of the DDX58 protein (p.Val38Ala). This variant is present in population databases (rs775318886, gnomAD 0.003%). This variant has not been reported in the literature in individuals affected with DDX58-related conditions. ClinVar contains an entry for this variant (Variation ID: 1419633). An algorithm developed to predict the effect of missense changes on protein structure and function (PolyPhen-2) suggests that this variant is likely to be tolerated. In summary, the available evidence is currently insufficient to determine the role of this variant in disease. Therefore, it has been classified as a Variant of Uncertain Significance.

NM_014314.4(RIGI):c.113T>C (p.Val38Ala)

Gene: RIGI (RNA sensor RIG-I; minus strand). Cytogenetic location: 9p21.1.
Variant type: single nucleotide variant.
Coding change: c.113T>C on transcript NM_014314.4 (MANE Select); coding-DNA position 113, T replaced by C.
Protein change: p.Val38Ala; replaces valine 38 with alanine.
Molecular consequence: missense variant. On other transcripts: 5 prime UTR variant (3).
Genome position (GRCh38, 1-based): chr9:32,500,933, A>G on the plus strand (T>C on the coding strand, the complement: RIGI is on the minus strand). VCF-style: chr9-32500933-A-G. GRCh37 (hg19) VCF-style: chr9-32500931-A-G.
Other names: c.113T>C, p.Val38Ala (NM_001385907.1, NM_001385909.1, NM_001385913.1); c.-342T>C (NM_001385910.1, NM_001385914.1); c.-349T>C (NM_001385912.1); short protein forms V38A.
Identifiers: ClinVar variation 1419633 (VCV001419633.6), dbSNP rs775318886, ClinGen allele CA5020164.
Genomic context (GRCh38, chr9:32,500,933, plus strand): 5'-AGAAAAAGTGTGGCAGCCTCCATTGGGCCCTTGTTGTTTTTCTCAGCCTGAATATACTGC[A>G]CCTCTTCTACAAACAGAAGCAAAAATGACTCATCAAACTGCAGAACTATTAATCATTAGA-3'
Protein context (NP_055129.2, residues 28-48): YMAPWFREEE[Val38Ala]QYIQAEKNNK